The following is an entry in ClinVar:

ClinVar aggregate classification (germline): Uncertain significance (1 of 4 stars; one submission).

Submission:

CeGaT Center for Human Genetics Tuebingen
Classification: Uncertain significance. Last evaluated: 2022-05-01. Review status: criteria provided, single submitter. Criteria: CeGaT Center For Human Genetics Tuebingen Variant Classification Criteria Version 2. Collection method: clinical testing. Allele origin: germline. Affected: yes. Observed: 1 variant allele.
Comment: NSD1: PM2, BP4

NM_022455.5(NSD1):c.7234G>T (p.Ala2412Ser)

Gene: NSD1 (nuclear receptor binding SET domain protein 1; plus strand). Cytogenetic location: 5q35.3.
Variant type: single nucleotide variant.
Coding change: c.7234G>T on transcript NM_022455.5 (MANE Select); coding-DNA position 7234, G replaced by T.
Protein change: p.Ala2412Ser; replaces alanine 2412 with serine.
Molecular consequence: missense variant.
Genome position (GRCh38, 1-based): chr5:177,294,602, G>T. VCF-style: chr5-177294602-G-T. GRCh37 (hg19) VCF-style: chr5-176721603-G-T.
Other names: c.6361G>T, p.Ala2121Ser (NM_001365684.2, NM_001409308.1, NM_172349.5); c.7234G>T, p.Ala2412Ser (NM_001409301.1, NM_001409302.1, NM_001409303.1); c.6814G>T, p.Ala2272Ser (NM_001409304.1); c.6481G>T, p.Ala2161Ser (NM_001409305.1); c.6472G>T, p.Ala2158Ser (NM_001409306.1, NM_001409307.1); c.6112G>T, p.Ala2038Ser (NM_001409309.1); short protein forms A2038S, A2121S, A2158S, A2161S, A2272S, A2412S.
Identifiers: ClinVar variation 2656112 (VCV002656112.24), dbSNP rs747241148, ClinGen allele CA362328993.